The following is an entry in ClinVar:

NM_000548.5(TSC2):c.4314G>A (p.Arg1438=)

Gene: TSC2 (TSC complex subunit 2; plus strand). Cytogenetic location: 16p13.3.
Variant type: single nucleotide variant.
Coding change: c.4314G>A on transcript NM_000548.5 (MANE Select); coding-DNA position 4314, G replaced by A.
Protein change: p.Arg1438=; no amino-acid change (arginine 1438 retained).
Molecular consequence: synonymous variant. On other transcripts: non-coding transcript variant (5).
Genome position (GRCh38, 1-based): chr16:2,084,536, G>A. VCF-style: chr16-2084536-G-A. GRCh37 (hg19) VCF-style: chr16-2134537-G-A.
Other names: c.4113G>A, p.Arg1371= (NM_001077183.3); c.4245G>A, p.Arg1415= (NM_001114382.3); c.4005G>A, p.Arg1335= (NM_001318827.2); c.3969G>A, p.Arg1323= (NM_001318829.2); c.3582G>A, p.Arg1194= (NM_001318831.2); c.4146G>A, p.Arg1382= (NM_001318832.2); c.4116G>A, p.Arg1372= (NM_001363528.2); c.4182G>A, p.Arg1394= (NM_001370404.1); and 26 more.
Identifiers: ClinVar variation 2125887 (VCV002125887.6), dbSNP rs1240764768, ClinGen allele CA493043434.
Genomic context (GRCh38, chr16:2,084,536, plus strand): 5'-ACAGTCAGGGACCCTGGACGGGGAAAGTGCTGCCTGGTCGGCCTCGGGCGAAGACAGTCG[G>A]GGCCAGCCCGAGGGTCCCTTGCCTTCCAGCTCCCCCCGCTCGCCCAGTGGCCTCCGGCCC-3'
Protein context (NP_000539.2, residues 1428-1448): AAWSASGEDS[Arg1438=]GQPEGPLPSS

ClinVar aggregate classification (germline): Benign/Likely benign. Review status: criteria provided, multiple submitters, no conflicts (2 of 4 stars). 3 submissions from 3 submitters: Benign (1); Likely benign (2). Last evaluated 2025-06-03.

Conditions:
Hereditary cancer-predisposing syndrome. Also called: Hereditary Cancer Syndrome; Neoplastic Syndromes, Hereditary; Hereditary neoplastic syndrome; Tumor predisposition. Identifiers: Orphanet 140162, MedGen C0027672, MeSH D009386, MONDO:0015356.
Tuberous sclerosis 2 (TSC2). Identifiers: Orphanet 805, MedGen C1860707, MONDO:0013199, OMIM 613254.

Submissions (3):

Myriad Genetics, Inc.
Classification: Benign for Tuberous sclerosis 2. Last evaluated: 2025-06-03. Review status: criteria provided, single submitter. Criteria: Myriad Autosomal Dominant, Autosomal Recessive and X-Linked Classification Criteria (2023). Collection method: clinical testing. Allele origin: unknown.
Comment: This variant is considered benign. This variant is a silent/synonymous amino acid change and it is not expected to impact splicing.

Labcorp Genetics (formerly Invitae), Labcorp
Classification: Likely benign for Tuberous sclerosis 2. Last evaluated: 2024-05-08. Review status: criteria provided, single submitter. Criteria: Invitae Variant Classification Sherloc (09022015). Collection method: clinical testing. Allele origin: germline.

Ambry Genetics
Classification: Likely benign for Hereditary cancer-predisposing syndrome. Last evaluated: 2023-09-25. Review status: criteria provided, single submitter. Criteria: Ambry Variant Classification Scheme 2023. Collection method: clinical testing. Allele origin: germline.